The following is an entry in ClinVar:

ClinVar aggregate classification (germline): Conflicting classifications of pathogenicity. Review status: criteria provided, conflicting classifications (1 of 4 stars). 8 submissions from 8 submitters: Uncertain significance (4); Benign (2); Likely benign (2). Last evaluated 2026-01-28.

Conditions:
Hereditary cancer-predisposing syndrome. Also called: Hereditary neoplastic syndrome; Neoplastic Syndromes, Hereditary; Hereditary Cancer Syndrome; Tumor predisposition. Identifiers: Orphanet 140162, MedGen C0027672, MeSH D009386, MONDO:0015356.
Tuberous sclerosis syndrome (TSC). Also called: Tuberous Sclerosis Complex; Tuberous sclerosis. Identifiers: Orphanet 805, MedGen C0041341, MONDO:0001734.
Tuberous sclerosis 1 (TSC1). Identifiers: Orphanet 805, MedGen C1854465, MONDO:0008612, OMIM 191100.

Allele frequency attached by ClinVar (database versions not stated): gnomAD exomes 0.00001; gnomAD 0.00002; TOPMed 0.00002.
gnomAD v4.1: 14 of 1,614,070 alleles (0.00087%); highest among the groups gnomAD compares: Non-Finnish European, 0.0012%; no homozygotes.

Submissions (8):

Labcorp Genetics (formerly Invitae), Labcorp
Classification: Benign for Tuberous sclerosis 1. Last evaluated: 2026-01-28. Review status: criteria provided, single submitter. Criteria: Invitae Variant Classification Sherloc (09022015). Collection method: clinical testing. Allele origin: germline.

Color Diagnostics, LLC DBA Color Health
Classification: Uncertain significance for Tuberous sclerosis syndrome. Last evaluated: 2023-10-10. Review status: criteria provided, single submitter. Criteria: ACMG Guidelines, 2015. Collection method: clinical testing. Allele origin: germline.
Comment: This missense variant replaces proline with threonine at codon 1058 of the TSC1 protein. Computational prediction suggests that this variant may not impact protein structure and function. To our knowledge, functional studies have not been reported for this variant. This variant has not been reported in individuals affected with TSC1-related disorders in the literature. This variant has been identified in 1/31394 chromosomes in the general population by the Genome Aggregation Database (gnomAD). The available evidence is insufficient to determine the role of this variant in disease conclusively. Therefore, this variant is classified as a Variant of Uncertain Significance.

All of Us Research Program, National Institutes of Health
Classification: Uncertain significance for Tuberous sclerosis syndrome. Last evaluated: 2023-06-28. Review status: criteria provided, single submitter. Criteria: ACMG Guidelines, 2015. Collection method: clinical testing. Allele origin: germline. Inheritance: Autosomal dominant inheritance. Observed: 2 variant alleles, 2 heterozygotes.
Comment: This study involves interpretation of variants in research participants for the purpose of population health screening. Participant phenotype was not available at the time of variant classification. Additional details can be found in publication PMID: 35346344, PMCID: PMC8962531

Blueprint Genetics
Classification: Uncertain significance. Last evaluated: 2023-04-19. Review status: criteria provided, single submitter. Criteria: ACMG Guidelines, 2015. Collection method: clinical testing. Allele origin: germline.

Ambry Genetics
Classification: Likely benign for Hereditary cancer-predisposing syndrome. Last evaluated: 2022-11-04. Review status: criteria provided, single submitter. Criteria: Ambry Variant Classification Scheme 2023. Collection method: clinical testing. Allele origin: germline.

Genome-Nilou Lab
Classification: Benign for Tuberous sclerosis 1. Last evaluated: 2021-11-07. Review status: criteria provided, single submitter. Criteria: ACMG Guidelines, 2015. Collection method: clinical testing. Allele origin: germline. Affected: no.

Sema4
Classification: Uncertain significance for Hereditary cancer-predisposing syndrome. Last evaluated: 2021-05-30. Review status: criteria provided, single submitter. Criteria: Sema4 Curation Guidelines. Collection method: curation. Allele origin: germline.
Comment: The TSC1 c.3172C>A (p.P1058T) variant has not been reported in the literature to our knowledge. It was observed in 1/15426 chromosomes of the Non-Finnish European subpopulation in the large and broad cohorts of the Genome Aggregation Database. The variant has been reported in ClinVar (Variation ID 466122). In silico tools suggest the impact of the variant on protein function is inconclusive, though these predictions have not been confirmed by functional studies. The evidence is insufficient to meet ACMG/AMP criteria for classifying the variant as benign or pathogenic. Thus, the clinical significance of this variant is currently uncertain.

GeneDx
Classification: Likely benign. Last evaluated: 2020-06-08. Review status: criteria provided, single submitter. Criteria: GeneDx Variant Classification Process June 2021. Collection method: clinical testing. Allele origin: germline. Affected: yes.
Comment: In silico analysis supports that this missense variant does not alter protein structure/function; Has not been previously published as pathogenic or benign to our knowledge

NM_000368.5(TSC1):c.3172C>A (p.Pro1058Thr)

Gene: TSC1 (TSC complex subunit 1; minus strand). Cytogenetic location: 9q34.13.
Variant type: single nucleotide variant.
Coding change: c.3172C>A on transcript NM_000368.5 (MANE Select); coding-DNA position 3172, C replaced by A.
Protein change: p.Pro1058Thr; replaces proline 1058 with threonine.
Molecular consequence: missense variant.
Genome position (GRCh38, 1-based): chr9:132,896,558, G>T on the plus strand (C>A on the coding strand, the complement: TSC1 is on the minus strand). VCF-style: chr9-132896558-G-T. GRCh37 (hg19) VCF-style: chr9-135771945-G-T.
Other names: c.3169C>A, p.Pro1057Thr (NM_001162426.2); c.3019C>A, p.Pro1007Thr (NM_001162427.2); c.2809C>A, p.Pro937Thr (NM_001362177.2); short protein forms P1058T, P1057T, P1007T, P937T.
Identifiers: ClinVar variation 466122 (VCV000466122.22), dbSNP rs112066743, ClinGen allele CA375367153.